The following is an entry in ClinVar:

ClinVar aggregate classification (germline): Uncertain significance (1 of 4 stars; one submission).

Conditions:
Inborn genetic diseases. Identifiers: MedGen C0950123, MeSH D030342.

Submission:

Ambry Genetics
Classification: Uncertain significance for Inborn genetic diseases. Last evaluated: 2026-01-18. Review status: criteria provided, single submitter. Criteria: Ambry Variant Classification Scheme 2023. Collection method: clinical testing. Allele origin: germline.
Comment: The p.P77A variant (also known as c.229C>G), located in coding exon 1 of the KDM1A gene, results from a C to G substitution at nucleotide position 229. The proline at codon 77 is replaced by alanine, an amino acid with highly similar properties. This amino acid position is conserved. In addition, this alteration is predicted to be tolerated by in silico analysis. Based on the available evidence, the clinical significance of this variant remains unclear.

NM_001009999.3(KDM1A):c.229C>G (p.Pro77Ala)

Gene: KDM1A (lysine demethylase 1A; plus strand). Cytogenetic location: 1p36.12.
Variant type: single nucleotide variant.
Coding change: c.229C>G on transcript NM_001009999.3 (MANE Select); coding-DNA position 229, C replaced by G.
Protein change: p.Pro77Ala; replaces proline 77 with alanine.
Molecular consequence: missense variant.
Genome position (GRCh38, 1-based): chr1:23,019,825, C>G. VCF-style: chr1-23019825-C-G. GRCh37 (hg19) VCF-style: chr1-23346318-C-G.
Other names: c.229C>G, p.Pro77Ala (NM_001363654.2, NM_001410762.1, NM_001410763.1 and 1 more transcripts); short protein forms P77A.
Identifiers: ClinVar variation 4844695 (VCV004844695.1).